The following is an entry in ClinVar:

NM_001851.6(COL9A1):c.554T>C (p.Ile185Thr)

Gene: COL9A1 (collagen type IX alpha 1 chain; minus strand). Cytogenetic location: 6q13.
Variant type: single nucleotide variant.
Coding change: c.554T>C on transcript NM_001851.6 (MANE Select); coding-DNA position 554, T replaced by C.
Protein change: p.Ile185Thr; replaces isoleucine 185 with threonine.
Molecular consequence: missense variant.
Genome position (GRCh38, 1-based): chr6:70,294,309, A>G on the plus strand (T>C on the coding strand, the complement: COL9A1 is on the minus strand). VCF-style: chr6-70294309-A-G. GRCh37 (hg19) VCF-style: chr6-71004012-A-G.
Other names: c.554T>C, p.Ile185Thr (NM_001377291.1); short protein forms I185T.
Identifiers: ClinVar variation 1940668 (VCV001940668.2), dbSNP rs1773766464, ClinGen allele CA364670927.

ClinVar aggregate classification (germline): Uncertain significance (1 of 4 stars; one submission).

Allele frequency attached by ClinVar (database versions not stated): gnomAD exomes below 0.00001; gnomAD 0.00001.

Submission:

Labcorp Genetics (formerly Invitae), Labcorp
Classification: Uncertain significance. Last evaluated: 2022-08-09. Review status: criteria provided, single submitter. Criteria: Invitae Variant Classification Sherloc (09022015). Collection method: clinical testing. Allele origin: germline.
Comment: This sequence change replaces isoleucine, which is neutral and non-polar, with threonine, which is neutral and polar, at codon 185 of the COL9A1 protein (p.Ile185Thr). This variant is not present in population databases (gnomAD no frequency). This variant has not been reported in the literature in individuals affected with COL9A1-related conditions. Advanced modeling of protein sequence and biophysical properties (such as structural, functional, and spatial information, amino acid conservation, physicochemical variation, residue mobility, and thermodynamic stability) performed at Invitae indicates that this missense variant is not expected to disrupt COL9A1 protein function. In summary, the available evidence is currently insufficient to determine the role of this variant in disease. Therefore, it has been classified as a Variant of Uncertain Significance.